The following is an entry in ClinVar:

ClinVar aggregate classification (germline): Pathogenic/Likely pathogenic. Review status: criteria provided, multiple submitters, no conflicts (2 of 4 stars). 6 submissions from 6 submitters: Pathogenic (3); Likely pathogenic (2). 1 of the submissions does not count toward it. Last evaluated 2024-04-23.

Conditions:
Fanconi anemia (FA). Also called: Fanconi's anemia. Identifiers: Orphanet 84, MedGen C0015625, MeSH D005199, MONDO:0019391.
Fanconi anemia complementation group A (FANCA). Also called: Fanconi anemia, group A; FANCA-Related Fanconi Anemia. Identifiers: Orphanet 84, MedGen C3469521, MONDO:0009215, OMIM 227650.

gnomAD v4.1: 3 of 1,614,064 alleles (0.00019%); highest among the groups gnomAD compares: Non-Finnish European, 0.00025%; no homozygotes.

Submissions (6):

Fulgent Genetics
Classification: Likely pathogenic for Fanconi anemia complementation group A. Last evaluated: 2024-04-23. Review status: criteria provided, single submitter. Criteria: ACMG Guidelines, 2015. Collection method: clinical testing. Allele origin: germline.

Baylor Genetics
Classification: Pathogenic for Fanconi anemia complementation group A. Last evaluated: 2024-03-24. Review status: criteria provided, single submitter. Criteria: ACMG Guidelines, 2015. Collection method: clinical testing. Allele origin: unknown.

Labcorp Genetics (formerly Invitae), Labcorp
Classification: Likely pathogenic for Fanconi anemia. Last evaluated: 2023-05-27. Review status: criteria provided, single submitter. Criteria: Invitae Variant Classification Sherloc (09022015). Collection method: clinical testing. Allele origin: germline.
Comment: In summary, the currently available evidence indicates that the variant is pathogenic, but additional data are needed to prove that conclusively. Therefore, this variant has been classified as Likely Pathogenic. Algorithms developed to predict the effect of sequence changes on RNA splicing suggest that this variant may disrupt the consensus splice site. ClinVar contains an entry for this variant (Variation ID: 974109). Disruption of this splice site has been observed in individual(s) with Fanconi anemia (PMID: 15523645, 34585473). This variant is present in population databases (no rsID available, gnomAD 0.0009%). This sequence change affects an acceptor splice site in intron 9 of the FANCA gene. It is expected to disrupt RNA splicing. Variants that disrupt the donor or acceptor splice site typically lead to a loss of protein function (PMID: 16199547), and loss-of-function variants in FANCA are known to be pathogenic (PMID: 19367192).

Revvity Omics, Revvity
Classification: Pathogenic for Fanconi anemia complementation group A. Last evaluated: 2019-04-30. Review status: criteria provided, single submitter. Criteria: ACMG Guidelines, 2015. Collection method: clinical testing. Allele origin: germline.

Juno Genomics, Hangzhou Juno Genomics, Inc
Classification: Pathogenic for Fanconi anemia complementation group A. Review status: criteria provided, single submitter. Criteria: ACMG Guidelines, 2015. Collection method: clinical testing. Allele origin: germline.
Comment: Null variant in a gene where loss of function (LOF) is a known mechanism of disease.;Absent from controls (or at extremely low frequency if recessive) in Genome Aggregation Database.;Patient's phenotype or family history is highly specific for a disease with a single genetic etiology.

Leiden Open Variation Database
Classification: Pathogenic for Fanconi anemia complementation group A. Last evaluated: 2020-02-28. Review status: no assertion criteria provided. Collection method: curation. Allele origin: germline. Affected: yes. Not counted in ClinVar's aggregate classification.
Comment: Curator: Arleen D. Auerbach. Submitters to LOVD: Arleen D. Auerbach, Sue Richards.

Literature cited by the submitters: PubMed 15523645 (cited by Labcorp Genetics (formerly Invitae), Labcorp and Leiden Open Variation Database); PubMed 34585473 (cited by Labcorp Genetics (formerly Invitae), Labcorp); PubMed 16199547 (cited by Labcorp Genetics (formerly Invitae), Labcorp); PubMed 19367192 (cited by Labcorp Genetics (formerly Invitae), Labcorp).

NM_000135.4(FANCA):c.827-1G>T

Gene: FANCA (FA complementation group A; minus strand). Cytogenetic location: 16q24.3.
Variant type: single nucleotide variant.
Coding change: c.827-1G>T on transcript NM_000135.4 (MANE Select); the canonical splice acceptor site of the intron before coding-DNA position 827, G replaced by T.
Molecular consequence: splice acceptor variant.
Genome position (GRCh38, 1-based): chr16:89,799,233, C>A on the plus strand (G>T on the coding strand, the complement: FANCA is on the minus strand). VCF-style: chr16-89799233-C-A. GRCh37 (hg19) VCF-style: chr16-89865641-C-A.
Other names: c.827-1G>T (NM_001286167.3, NM_001018112.3); c.731-1G>T (NM_001351830.2).
Identifiers: ClinVar variation 974109 (VCV000974109.13), dbSNP rs753728435, ClinGen allele CA397473215.